The following is an entry in ClinVar:

NM_004656.4(BAP1):c.937G>A (p.Ala313Thr)

Gene: BAP1 (BRCA1 associated deubiquitinase 1; minus strand). Cytogenetic location: 3p21.1.
Variant type: single nucleotide variant.
Coding change: c.937G>A on transcript NM_004656.4 (MANE Select); coding-DNA position 937, G replaced by A.
Protein change: p.Ala313Thr; replaces alanine 313 with threonine.
Molecular consequence: missense variant.
Genome position (GRCh38, 1-based): chr3:52,405,289, C>T on the plus strand (G>A on the coding strand, the complement: BAP1 is on the minus strand). VCF-style: chr3-52405289-C-T. GRCh37 (hg19) VCF-style: chr3-52439305-C-T.
Other names: short protein forms A313T.
Identifiers: ClinVar variation 823202 (VCV000823202.15), dbSNP rs1578223547, ClinGen allele CA353106366.

ClinVar aggregate classification (germline): Conflicting classifications of pathogenicity. Review status: criteria provided, conflicting classifications (1 of 4 stars). 5 submissions from 5 submitters: Uncertain significance (4); Likely benign (1). Last evaluated 2025-12-03.

Conditions:
Hereditary cancer-predisposing syndrome. Also called: Tumor predisposition; Hereditary Cancer Syndrome; Neoplastic Syndromes, Hereditary; Hereditary neoplastic syndrome. Identifiers: Orphanet 140162, MedGen C0027672, MeSH D009386, MONDO:0015356.
BAP1-related tumor predisposition syndrome (TPDS1). Also called: Tumor susceptibility linked to germline BAP1 mutations; BAP1 tumor predisposition syndrome; COMMON Syndrome; TUMOR PREDISPOSITION SYNDROME 1. Identifiers: Orphanet 289539, MedGen C3280492, MONDO:0013692, OMIM 614327.

Allele frequency attached by ClinVar (database versions not stated): TOPMed below 0.00001.

Submissions (5):

Labcorp Genetics (formerly Invitae), Labcorp
Classification: Uncertain significance for BAP1-related tumor predisposition syndrome. Last evaluated: 2025-12-03. Review status: criteria provided, single submitter. Criteria: Invitae Variant Classification Sherloc (09022015). Collection method: clinical testing. Allele origin: germline.
Comment: This sequence change replaces alanine, which is neutral and non-polar, with threonine, which is neutral and polar, at codon 313 of the BAP1 protein (p.Ala313Thr). This variant is not present in population databases (gnomAD no frequency). This variant has not been reported in the literature in individuals affected with BAP1-related conditions. ClinVar contains an entry for this variant (Variation ID: 823202). Invitae Evidence Modeling of protein sequence and biophysical properties (such as structural, functional, and spatial information, amino acid conservation, physicochemical variation, residue mobility, and thermodynamic stability) indicates that this missense variant is not expected to disrupt BAP1 protein function with a negative predictive value of 80%. In summary, the available evidence is currently insufficient to determine the role of this variant in disease. Therefore, it has been classified as a Variant of Uncertain Significance.

Ambry Genetics
Classification: Likely benign for Hereditary cancer-predisposing syndrome. Last evaluated: 2025-01-21. Review status: criteria provided, single submitter. Criteria: Ambry Variant Classification Scheme 2023. Collection method: clinical testing. Allele origin: germline.

Color Diagnostics, LLC DBA Color Health
Classification: Uncertain significance for Hereditary cancer-predisposing syndrome. Last evaluated: 2024-03-06. Review status: criteria provided, single submitter. Criteria: ACMG Guidelines, 2015. Collection method: clinical testing. Allele origin: germline.
Comment: This missense variant replaces alanine with threonine at codon 313 of the BAP1 protein. Computational prediction suggests that this variant may not impact protein structure and function (internally defined REVEL score threshold <= 0.5, PMID: 27666373). To our knowledge, functional studies have not been reported for this variant. This variant has not been reported in individuals affected with hereditary cancer in the literature. This variant has not been identified in the general population by the Genome Aggregation Database (gnomAD). The available evidence is insufficient to determine the role of this variant in disease conclusively. Therefore, this variant is classified as a Variant of Uncertain Significance.

Quest Diagnostics Nichols Institute San Juan Capistrano
Classification: Uncertain significance. Last evaluated: 2022-12-15. Review status: criteria provided, single submitter. Criteria: Quest Diagnostics criteria. Collection method: clinical testing. Allele origin: unknown.
Comment: The variant has not been reported in individuals with BAP1-related conditions in the published literature. It also has not been reported in large, multi-ethnic general populations. Analysis of this variant using bioinformatics tools for the prediction of the effect of amino acid changes on protein structure and function yielded predictions that this variant is benign. Based on the available information, we are unable to determine the clinical significance of this variant.

GeneDx
Classification: Uncertain significance. Last evaluated: 2022-07-15. Review status: criteria provided, single submitter. Criteria: GeneDx Variant Classification Process June 2021. Collection method: clinical testing. Allele origin: germline. Affected: yes.
Comment: Not observed at significant frequency in large population cohorts (gnomAD); In silico analysis supports that this missense variant does not alter protein structure/function; Has not been previously published as pathogenic or benign to our knowledge